The following is an entry in ClinVar:

ClinVar aggregate classification (germline): Likely benign. Review status: reviewed by expert panel (3 of 4 stars). 10 submissions from 10 submitters: Likely benign (1). 9 of the submissions do not count toward it. Last evaluated 2017-06-29.

Conditions:
Hereditary breast ovarian cancer syndrome. Also called: Hereditary breast and ovarian cancer syndrome; Hereditary breast and ovarian cancer; Hereditary breast and ovarian cancer syndrome (HBOC); Breast and ovarian cancer; Hereditary breast and/or ovarian cancer syndrome; BRCA1- and BRCA2-Associated Hereditary Breast and Ovarian Cancer. Identifiers: Orphanet 145, MedGen C0677776, MeSH D061325, MONDO:0003582. Disease mechanism: loss of function.
Breast-ovarian cancer, familial, susceptibility to, 2 (BROVCA2). Also called: BRCA2 Hereditary Breast and Ovarian Cancer. Identifiers: Orphanet 145, MedGen C2675520, MONDO:0012933, OMIM 612555. Disease mechanism: loss of function.
BRCA2-related cancer predisposition. Identifiers: MedGen CN377758, MONDO:0700269.
Hereditary cancer-predisposing syndrome. Also called: Neoplastic Syndromes, Hereditary; Tumor predisposition; Hereditary Cancer Syndrome; Hereditary neoplastic syndrome. Identifiers: Orphanet 140162, MedGen C0027672, MeSH D009386, MONDO:0015356.

Allele frequency attached by ClinVar (database versions not stated): gnomAD exomes below 0.00001 and 0.00001; ExAC 0.00001; gnomAD 0.00001; TOPMed 0.00001.
gnomAD v4.1: 10 of 1,612,054 alleles (0.00062%); highest among the groups gnomAD compares: East Asian, 0.0022%; no homozygotes.

Submissions (10):

Evidence-based Network for the Interpretation of Germline Mutant Alleles (ENIGMA)
Classification: Likely benign for Breast-ovarian cancer, familial, susceptibility to, 2. Last evaluated: 2017-06-29. Review status: reviewed by expert panel. Criteria: ENIGMA BRCA1/2 Classification Criteria (2017-06-29). Collection method: curation. Allele origin: germline.
Comment: Synonymous substitution variant, with low bioinformatic likelihood to result in a splicing aberration (Splicing prior probability 0.02).

Labcorp Genetics (formerly Invitae), Labcorp
Classification: Likely benign for Hereditary breast ovarian cancer syndrome. Last evaluated: 2026-01-19. Review status: criteria provided, single submitter. Criteria: Invitae Variant Classification Sherloc (09022015). Collection method: clinical testing. Allele origin: germline. Not counted in ClinVar's aggregate classification.

All of Us Research Program, National Institutes of Health
Classification: Likely benign for BRCA2-related cancer predisposition. Last evaluated: 2024-02-22. Review status: criteria provided, single submitter. Criteria: ACMG Guidelines, 2015. Collection method: clinical testing. Allele origin: germline. Inheritance: Autosomal dominant inheritance. Observed: 1 variant allele, 1 heterozygote. Not counted in ClinVar's aggregate classification.
Comment: This study involves interpretation of variants in research participants for the purpose of population health screening. Participant phenotype was not available at the time of variant classification. Additional details can be found in publication PMID: 35346344, PMCID: PMC8962531

Women's Health and Genetics/Laboratory Corporation of America, LabCorp
Classification: Likely benign. Last evaluated: 2020-02-28. Review status: criteria provided, single submitter. Criteria: LabCorp Variant Classification Summary - May 2015. Collection method: clinical testing. Allele origin: germline. Not counted in ClinVar's aggregate classification.
Comment: Variant summary: BRCA2 c.3675A>G alters a conserved nucleotide resulting in a synonymous change. 4/4 computational tools predict no significant impact on normal splicing. However, these predictions have yet to be confirmed by functional studies. The variant allele was found at a frequency of 4e-06 in 249692 control chromosomes. The available data on variant occurrences in the general population are insufficient to allow any conclusion about variant significance. To our knowledge, no occurrence of c.3675A>G in individuals affected with Hereditary Breast and Ovarian Cancer and no experimental evidence demonstrating its impact on protein function have been reported. Seven clinical diagnostic laboratories have submitted clinical-significance assessments for this variant to ClinVar after 2014 without evidence for independent evaluation. All laboratories classified the variant as likely benign. Based on the evidence outlined above, the variant was classified as likely benign.

GeneDx
Classification: Likely benign. Last evaluated: 2019-06-20. Review status: criteria provided, single submitter. Criteria: GeneDx Variant Classification Process June 2021. Collection method: clinical testing. Allele origin: germline. Affected: yes. Not counted in ClinVar's aggregate classification.
Comment: This variant is associated with the following publications: (PMID: 18627636)

Quest Diagnostics Nichols Institute San Juan Capistrano
Classification: Likely benign. Last evaluated: 2018-01-18. Review status: criteria provided, single submitter. Criteria: Quest Diagnostics criteria. Collection method: clinical testing. Allele origin: germline. Not counted in ClinVar's aggregate classification.

Color Diagnostics, LLC DBA Color Health
Classification: Likely benign for Hereditary cancer-predisposing syndrome. Last evaluated: 2017-11-21. Review status: criteria provided, single submitter. Criteria: ACMG Guidelines, 2015. Collection method: clinical testing. Allele origin: germline. Not counted in ClinVar's aggregate classification.

Ambry Genetics
Classification: Likely benign for Hereditary cancer-predisposing syndrome. Last evaluated: 2014-10-01. Review status: criteria provided, single submitter. Criteria: Ambry Variant Classification Scheme 2023. Collection method: clinical testing. Allele origin: germline. Not counted in ClinVar's aggregate classification.

Counsyl
Classification: Likely benign for Breast-ovarian cancer, familial, susceptibility to, 2. Last evaluated: 2018-02-15. Review status: no assertion criteria provided. Collection method: clinical testing. Allele origin: unknown. Not counted in ClinVar's aggregate classification.

Breast Cancer Information Core (BIC) (BRCA2)
Classification: Benign for Breast-ovarian cancer, familial 2. Last evaluated: 2010-09-18. Review status: no assertion criteria provided. Collection method: clinical testing. Allele origin: germline. Affected: yes. Observed: 1 variant allele. Not counted in ClinVar's aggregate classification.

Literature cited by the submitters: PubMed 18627636 (cited by Counsyl).

NM_000059.4(BRCA2):c.3675A>G (p.Thr1225=)

Gene: BRCA2 (BRCA2 DNA repair associated; plus strand). Cytogenetic location: 13q13.1.
Variant type: single nucleotide variant.
Coding change: c.3675A>G on transcript NM_000059.4 (MANE Select); coding-DNA position 3675, A replaced by G.
Protein change: p.Thr1225=; no amino-acid change (threonine 1225 retained).
Molecular consequence: synonymous variant.
Genome position (GRCh38, 1-based): chr13:32,338,030, A>G. VCF-style: chr13-32338030-A-G. GRCh37 (hg19) VCF-style: chr13-32912167-A-G.
Other names: T1225T.
Identifiers: ClinVar variation 51502 (VCV000051502.23), dbSNP rs276174835, ClinGen allele CA018527.